The following is an entry in ClinVar:

NM_031407.7(HUWE1):c.6707+4A>G

Gene: HUWE1 (HECT, UBA and WWE domain containing E3 ubiquitin protein ligase 1; minus strand). Cytogenetic location: Xp11.22.
Variant type: single nucleotide variant.
Coding change: c.6707+4A>G on transcript NM_031407.7 (MANE Select); 4 bases into the intron after coding-DNA position 6707, A replaced by G.
Molecular consequence: intron variant.
Genome position (GRCh38, 1-based): chrX:53,568,688, T>C on the plus strand (A>G on the coding strand, the complement: HUWE1 is on the minus strand). VCF-style: chrX-53568688-T-C. GRCh37 (hg19) VCF-style: chrX-53595648-T-C.
Identifiers: ClinVar variation 2818648 (VCV002818648.3), dbSNP rs782154141, ClinGen allele CA10422064.

ClinVar aggregate classification (germline): Uncertain significance (1 of 4 stars; one submission).

Allele frequency attached by ClinVar (database versions not stated): gnomAD exomes below 0.00001.
gnomAD v4.1: 1 of 1,208,236 alleles (0.000083%); highest among the groups gnomAD compares: Admixed American, 0.0022%; no homozygotes.

Submission:

Labcorp Genetics (formerly Invitae), Labcorp
Classification: Uncertain significance. Last evaluated: 2023-02-09. Review status: criteria provided, single submitter. Criteria: Invitae Variant Classification Sherloc (09022015). Collection method: clinical testing. Allele origin: germline.
Comment: This sequence change falls in intron 49 of the HUWE1 gene. It does not directly change the encoded amino acid sequence of the HUWE1 protein. It affects a nucleotide within the consensus splice site. This variant is not present in population databases (gnomAD no frequency). This variant has not been reported in the literature in individuals affected with HUWE1-related conditions. Variants that disrupt the consensus splice site are a relatively common cause of aberrant splicing (PMID: 17576681, 9536098). Algorithms developed to predict the effect of sequence changes on RNA splicing suggest that this variant is not likely to affect RNA splicing. In summary, the available evidence is currently insufficient to determine the role of this variant in disease. Therefore, it has been classified as a Variant of Uncertain Significance.

Literature cited by the submitters: PubMed 17576681; PubMed 9536098.